The following is an entry in ClinVar:

ClinVar aggregate classification (germline): Likely benign. Review status: criteria provided, multiple submitters, no conflicts (2 of 4 stars). 2 submissions from 2 submitters: Likely benign (2). Last evaluated 2025-01-09.

Conditions:
SCLT1-related disorder. Also called: SCLT1-related condition.

gnomAD v4.1: 116 of 702,548 alleles (0.017%); highest among the groups gnomAD compares: East Asian, 0.17%; no homozygotes.

Submissions (2):

PreventionGenetics, part of Exact Sciences
Classification: Likely benign for SCLT1-related condition. Last evaluated: 2025-01-09. Review status: criteria provided, single submitter. Criteria: ACMG Guidelines, 2015. Collection method: clinical testing. Allele origin: germline.
Comment: This variant is classified as likely benign based on ACMG/AMP sequence variant interpretation guidelines (Richards et al. 2015 PMID: 25741868, with internal and published modifications).

Blueprint Genetics
Classification: Likely benign. Last evaluated: 2024-07-10. Review status: criteria provided, single submitter. Criteria: ACMG Guidelines, 2015. Collection method: clinical testing. Allele origin: germline.

NM_144643.4(SCLT1):c.235-1109G>A

Gene: SCLT1 (sodium channel and clathrin linker 1; minus strand). Cytogenetic location: 4q28.2.
Variant type: single nucleotide variant.
Coding change: c.235-1109G>A on transcript NM_144643.4 (MANE Select); 1109 bases into the intron before coding-DNA position 235, G replaced by A.
Molecular consequence: intron variant. On other transcripts: 3 prime UTR variant (1).
Genome position (GRCh38, 1-based): chr4:129,040,205, C>T on the plus strand (G>A on the coding strand, the complement: SCLT1 is on the minus strand). VCF-style: chr4-129040205-C-T. GRCh37 (hg19) VCF-style: chr4-129961360-C-T.
Other names: c.*2G>A (NM_001300897.2); c.235-1109G>A (NM_001410807.1, NM_001300898.2, NM_144643.3).
Identifiers: ClinVar variation 4968647 (VCV004968647.2).
Genomic context (GRCh38, chr4:129,040,205, plus strand): 5'-ATCAGAATAGCAAATTCTAACTATAAATTTGGTTTGAAAGGTGAACTTTTCCAAGGTCCT[C>T]GTTATGCCTGAAACACAATTAAACCAACATGGATTAATTCACTACCAGATAATTGAGCAC-3'